The following is an entry in ClinVar:

ClinVar aggregate classification (germline): Benign/Likely benign. Review status: criteria provided, multiple submitters, no conflicts (2 of 4 stars). 4 submissions from 4 submitters: Benign (1); Likely benign (2). 1 of the submissions does not count toward it. Last evaluated 2026-07-01.

Conditions:
FZD5-related disorder. Also called: FZD5-related condition.

Allele frequency attached by ClinVar (database versions not stated): 1000 Genomes Project 0.00060; 1000 Genomes Project 30x 0.00109; gnomAD 0.00338; ExAC 0.00426; ESP Exome Variant Server 0.00484.

Submissions (4):

CeGaT Center for Human Genetics Tuebingen
Classification: Likely benign. Last evaluated: 2026-07-01. Review status: criteria provided, single submitter. Criteria: CeGaT Center For Human Genetics Tuebingen Variant Classification Criteria Version 2. Collection method: clinical testing. Allele origin: germline. Affected: yes. Observed: 1 variant allele.
Comment: FZD5: BP4, BS2

Labcorp Genetics (formerly Invitae), Labcorp
Classification: Benign. Last evaluated: 2026-01-15. Review status: criteria provided, single submitter. Criteria: Invitae Variant Classification Sherloc (09022015). Collection method: clinical testing. Allele origin: germline.

Blueprint Genetics
Classification: Likely benign. Last evaluated: 2024-11-12. Review status: criteria provided, single submitter. Criteria: ACMG Guidelines, 2015. Collection method: clinical testing. Allele origin: germline.

PreventionGenetics, part of Exact Sciences
Classification: Likely benign for FZD5-related condition. Last evaluated: 2019-07-15. Review status: no assertion criteria provided. Collection method: clinical testing. Allele origin: germline. Not counted in ClinVar's aggregate classification.
Comment: This variant is classified as likely benign based on ACMG/AMP sequence variant interpretation guidelines (Richards et al. 2015 PMID: 25741868, with internal and published modifications).

NM_003468.4(FZD5):c.455G>A (p.Arg152His)

Gene: FZD5 (frizzled class receptor 5; minus strand). Cytogenetic location: 2q33.3.
Variant type: single nucleotide variant.
Coding change: c.455G>A on transcript NM_003468.4 (MANE Select); coding-DNA position 455, G replaced by A.
Protein change: p.Arg152His; replaces arginine 152 with histidine.
Molecular consequence: missense variant.
Genome position (GRCh38, 1-based): chr2:207,768,285, C>T on the plus strand (G>A on the coding strand, the complement: FZD5 is on the minus strand). VCF-style: chr2-207768285-C-T. GRCh37 (hg19) VCF-style: chr2-208633009-C-T.
Other names: c.455G>A (NM_003468.3); short protein forms R152H.
Identifiers: ClinVar variation 2039507 (VCV002039507.8), dbSNP rs61733651, ClinGen allele CA2077026.